The following is an entry in ClinVar:

ClinVar aggregate classification (germline): Uncertain significance. Review status: criteria provided, single submitter (1 of 4 stars). 2 submissions from 2 submitters: Uncertain significance (1). 1 of the submissions does not count toward it. Last evaluated 2021-12-13.

Conditions:
Amyotrophic lateral sclerosis type 4 (ALS4). Also called: AMYOTROPHIC LATERAL SCLEROSIS 4, JUVENILE; NEURONOPATHY, DISTAL HEREDITARY MOTOR, WITH PYRAMIDAL FEATURES. Identifiers: Orphanet 357043, MedGen C1865409, MONDO:0011223, OMIM 602433.
Spinocerebellar ataxia, autosomal recessive, with axonal neuropathy 2 (SCAN2). Also called: ATAXIA-OCULOMOTOR APRAXIA 2; Ataxia-ocular apraxia-2; Ataxia with Oculomotor Apraxia Type 2; Ataxia with Oculomotor Apraxia. Identifiers: Orphanet 64753, MedGen C1853761, MONDO:0018996, OMIM 606002.
SETX-related disorder. Also called: SETX-related condition; SETX-related disorders. Identifiers: MedGen CN239403.

Allele frequency attached by ClinVar (database versions not stated): gnomAD exomes below 0.00001; ExAC 0.00001; gnomAD 0.00001; TOPMed 0.00001; ESP Exome Variant Server 0.00008.
gnomAD v4.1: 6 of 1,608,504 alleles (0.00037%); highest among the groups gnomAD compares: Non-Finnish European, 0.00051%; no homozygotes.

Submissions (2):

Labcorp Genetics (formerly Invitae), Labcorp
Classification: Uncertain significance for Amyotrophic lateral sclerosis type 4; Spinocerebellar ataxia, autosomal recessive, with axonal neuropathy 2. Last evaluated: 2021-12-13. Review status: criteria provided, single submitter. Criteria: Invitae Variant Classification Sherloc (09022015). Collection method: clinical testing. Allele origin: germline.
Comment: This sequence change falls in intron 17 of the SETX gene. It does not directly change the encoded amino acid sequence of the SETX protein. It affects a nucleotide within the consensus splice site. This variant is present in population databases (rs376381902, gnomAD 0.0009%). In summary, the available evidence is currently insufficient to determine the role of this variant in disease. Therefore, it has been classified as a Variant of Uncertain Significance. This variant has not been reported in the literature in individuals affected with SETX-related conditions. Variants that disrupt the consensus splice site are a relatively common cause of aberrant splicing (PMID: 17576681, 9536098). Algorithms developed to predict the effect of sequence changes on RNA splicing suggest that this variant may create or strengthen a splice site.

PreventionGenetics, part of Exact Sciences
Classification: Likely benign for SETX-related condition. Last evaluated: 2019-04-17. Review status: no assertion criteria provided. Collection method: clinical testing. Allele origin: germline. Not counted in ClinVar's aggregate classification.
Comment: This variant is classified as likely benign based on ACMG/AMP sequence variant interpretation guidelines (Richards et al. 2015 PMID: 25741868, with internal and published modifications).

Literature cited by the submitters: PubMed 17576681 (cited by Labcorp Genetics (formerly Invitae), Labcorp); PubMed 9536098 (cited by Labcorp Genetics (formerly Invitae), Labcorp).

NM_015046.7(SETX):c.6324+5C>G

Gene: SETX (senataxin; minus strand). Cytogenetic location: 9q34.13.
Variant type: single nucleotide variant.
Coding change: c.6324+5C>G on transcript NM_015046.7 (MANE Select); 5 bases into the intron after coding-DNA position 6324, C replaced by G.
Molecular consequence: intron variant.
Genome position (GRCh38, 1-based): chr9:132,288,231, G>C on the plus strand (C>G on the coding strand, the complement: SETX is on the minus strand). VCF-style: chr9-132288231-G-C. GRCh37 (hg19) VCF-style: chr9-135163618-G-C.
Other names: c.6324+5C>G (NM_015046.5, NM_001351528.2, NM_001351527.2).
Identifiers: ClinVar variation 2082909 (VCV002082909.6), dbSNP rs376381902, ClinGen allele CA5296773.